The following is an entry in ClinVar:

ClinVar aggregate classification (germline): Conflicting classifications of pathogenicity. Review status: criteria provided, conflicting classifications (1 of 4 stars). 8 submissions from 8 submitters: Uncertain significance (1); Likely benign (6). 1 of the submissions does not count toward it. Last evaluated 2026-01-12.

Conditions:
Hereditary nonpolyposis colorectal neoplasms. Identifiers: MedGen C0009405, MeSH D003123.
Hereditary cancer-predisposing syndrome. Also called: Tumor predisposition; Hereditary neoplastic syndrome; Neoplastic Syndromes, Hereditary; Hereditary Cancer Syndrome. Identifiers: Orphanet 140162, MedGen C0027672, MeSH D009386, MONDO:0015356.
Lynch syndrome. Identifiers: Orphanet 144, MedGen C4552100, MONDO:0005835. Disease mechanism: loss of function.
Lynch syndrome 5 (LYNCH5). Also called: Colorectal cancer, hereditary nonpolyposis, type 5; Hereditary non-polyposis colorectal cancer, type 5. Identifiers: Orphanet 144, MedGen C1833477, MONDO:0013710, OMIM 614350. Disease mechanism: loss of function.

Allele frequency attached by ClinVar (database versions not stated): gnomAD 0.00003; TOPMed 0.00001.
gnomAD v4.1: 10 of 1,614,036 alleles (0.00062%); highest among the groups gnomAD compares: African/African-American, 0.0027%; no homozygotes.

Submissions (8):

Labcorp Genetics (formerly Invitae), Labcorp
Classification: Likely benign for Hereditary nonpolyposis colorectal neoplasms. Last evaluated: 2026-01-12. Review status: criteria provided, single submitter. Criteria: Invitae Variant Classification Sherloc (09022015). Collection method: clinical testing. Allele origin: germline.

Myriad Genetics, Inc.
Classification: Likely benign for Lynch syndrome 5. Last evaluated: 2025-01-03. Review status: criteria provided, single submitter. Criteria: Myriad Autosomal Dominant, Autosomal Recessive and X-Linked Classification Criteria (2023). Collection method: clinical testing. Allele origin: unknown.
Comment: This variant is considered likely benign. This variant is intronic and is not expected to impact mRNA splicing.

Women's Health and Genetics/Laboratory Corporation of America, LabCorp
Classification: Likely benign. Last evaluated: 2024-12-12. Review status: criteria provided, single submitter. Criteria: LabCorp Variant Classification Summary - May 2015. Collection method: clinical testing. Allele origin: germline.

All of Us Research Program, National Institutes of Health
Classification: Likely benign for Lynch syndrome. Last evaluated: 2023-09-17. Review status: criteria provided, single submitter. Criteria: ACMG Guidelines, 2015. Collection method: clinical testing. Allele origin: germline. Inheritance: Autosomal dominant inheritance. Observed: 2 variant alleles, 2 heterozygotes.
Comment: This study involves interpretation of variants in research participants for the purpose of population health screening. Participant phenotype was not available at the time of variant classification. Additional details can be found in publication PMID: 35346344, PMCID: PMC8962531

GeneDx
Classification: Likely benign. Last evaluated: 2021-04-19. Review status: criteria provided, single submitter. Criteria: GeneDx Variant Classification Process June 2021. Collection method: clinical testing. Allele origin: germline. Affected: yes.

Color Diagnostics, LLC DBA Color Health
Classification: Likely benign for Hereditary cancer-predisposing syndrome. Last evaluated: 2017-08-14. Review status: criteria provided, single submitter. Criteria: ACMG Guidelines, 2015. Collection method: clinical testing. Allele origin: germline.

Ambry Genetics
Classification: Uncertain significance for Hereditary cancer-predisposing syndrome. Last evaluated: 2014-03-18. Review status: criteria provided, single submitter. Criteria: Ambry Autosomal Dominant and X-Linked criteria (10/2015). Collection method: clinical testing. Allele origin: germline. Observed: 1 variant allele.
Comment: Ã¢â‚¬â€¹The c.3173-10C>T intronic variant results from a C to T substitution ten nucleotides before coding exon 5 in the MSH6 gene. This variant was not reported in population-based cohorts in the following databases: Database of Single Nucleotide Polymorphisms (dbSNP), NHLBI Exome Sequencing Project (ESP) and 1000 Genomes Project. To date, this alteration has been detected with an allele frequency of approximately 0.006% (greater than 17,000 alleles tested) in our clinical cohort (includes this individual). Based on nucleotide sequence alignment, this position is poorly conserved in available vertebrate species. Using the BDGP and ESEfinder splice site prediction tools, this alteration does not have any significant effect on the native splice acceptor site; however, direct evidence is unavailable. Since supporting evidence is limited at this time, the clinical significance of c.3173-10C>T remains unclear.

Department of Pathology and Laboratory Medicine, Sinai Health System
Classification: Uncertain significance. Review status: no assertion criteria provided. Collection method: clinical testing. Allele origin: unknown. Affected: yes. Observed: 1 variant allele. Study: The Canadian Open Genetics Repository (COGR). Not counted in ClinVar's aggregate classification.
Comment: The MSH6 c.3173-10C>T variant was identified in 1 of 976 proband chromosomes (frequency: 0.001) from an individual with breast cancer (Tung 2016). The variant was also identified in the following databases: dbSNP (ID: rs587780559) as "With Likely benign, Uncertain significance allele", ClinVar (2x likely benign, 1x uncertain significance), and Clinvitae (2x likely benign, 1x uncertain significance). The variant was not identified in Cosmic, MutDB, UMD-LSDB, Insight Colon Cancer Gene Variant Database, Zhejiang Colon Cancer Database, Mismatch Repair Genes Variant Database, or the Insight Hereditary Tumors Database. The variant was identified in control databases in 2 of 277084 chromosomes at a frequency of 0.000007 (Genome Aggregation Database Feb 27, 2017). Breakdown of the observations by population include European in 2 of 126616 chromosomes (freq: 0.00002), while the variant was not observed in the African, Other, Latino, Ashkenazi Jewish, East Asian, Finnish, or South Asian populations. The c.3173-10C>T variant is located in the 3' splice region but does not affect the invariant -1 and -2 positions. However, positions -3 and -5 to -12 are part of the splicing consensus sequence and variants involving these positions sometimes affect splicing. In silico or computational prediction software programs (SpliceSiteFinder, MaxEntScan, NNSPLICE, GeneSplicer, HumanSpliceFinder) do not predict a difference in splicing. In summary, based on the above information the clinical significance of this variant cannot be determined with certainty at this time. This variant is classified as a variant of uncertain significance.

NM_000179.3(MSH6):c.3173-10C>T

Gene: MSH6 (mutS homolog 6; plus strand). Cytogenetic location: 2p16.3.
Variant type: single nucleotide variant.
Coding change: c.3173-10C>T on transcript NM_000179.3 (MANE Select); 10 bases into the intron before coding-DNA position 3173, C replaced by T.
Molecular consequence: intron variant.
Genome position (GRCh38, 1-based): chr2:47,803,410, C>T. VCF-style: chr2-47803410-C-T. GRCh37 (hg19) VCF-style: chr2-48030549-C-T.
Other names: c.2267-10C>T (NM_001281493.2, NM_001281494.2); c.2783-10C>T (NM_001281492.2).
Identifiers: ClinVar variation 132772 (VCV000132772.24), dbSNP rs587780559, ClinGen allele CA011755.